The following is an entry in ClinVar:

NM_001261826.3(AP3D1):c.107T>C (p.Ile36Thr)

Gene: AP3D1 (adaptor related protein complex 3 subunit delta 1; minus strand). Cytogenetic location: 19p13.3.
Variant type: single nucleotide variant.
Coding change: c.107T>C on transcript NM_001261826.3 (MANE Select); coding-DNA position 107, T replaced by C.
Protein change: p.Ile36Thr; replaces isoleucine 36 with threonine.
Molecular consequence: missense variant.
Genome position (GRCh38, 1-based): chr19:2,138,704, A>G on the plus strand (T>C on the coding strand, the complement: AP3D1 is on the minus strand). VCF-style: chr19-2138704-A-G. GRCh37 (hg19) VCF-style: chr19-2138703-A-G.
Other names: c.107T>C, p.Ile36Thr (NM_001374799.1, NM_003938.8); short protein forms I36T.
Identifiers: ClinVar variation 1377050 (VCV001377050.8), dbSNP rs370997687, ClinGen allele CA9059863.

ClinVar aggregate classification (germline): Uncertain significance (1 of 4 stars; one submission).

Allele frequency attached by ClinVar (database versions not stated): ExAC 0.00001; gnomAD exomes 0.00001 and 0.00002; TOPMed 0.00001; ESP Exome Variant Server 0.00008.
gnomAD v4.1: 8 of 1,612,478 alleles (0.0005%); highest among the groups gnomAD compares: Middle Eastern, 0.017%; no homozygotes.

Submission:

Labcorp Genetics (formerly Invitae), Labcorp
Classification: Uncertain significance. Last evaluated: 2022-10-19. Review status: criteria provided, single submitter. Criteria: Invitae Variant Classification Sherloc (09022015). Collection method: clinical testing. Allele origin: germline.
Comment: ClinVar contains an entry for this variant (Variation ID: 1377050). In summary, the available evidence is currently insufficient to determine the role of this variant in disease. Therefore, it has been classified as a Variant of Uncertain Significance. Algorithms developed to predict the effect of missense changes on protein structure and function (SIFT, PolyPhen-2, Align-GVGD) all suggest that this variant is likely to be disruptive. This variant has not been reported in the literature in individuals affected with AP3D1-related conditions. This variant is present in population databases (rs370997687, gnomAD 0.01%). This sequence change replaces isoleucine, which is neutral and non-polar, with threonine, which is neutral and polar, at codon 36 of the AP3D1 protein (p.Ile36Thr).